The following is an entry in ClinVar:

ClinVar aggregate classification (germline): Conflicting classifications of pathogenicity. Review status: criteria provided, conflicting classifications (1 of 4 stars). 2 submissions from 2 submitters: Likely pathogenic (1); Uncertain significance (1). Last evaluated 2025-12-04.

Conditions:
Retinitis pigmentosa 12 (RP12). Also called: RP WITH OR WITHOUT PRESERVED PARAARTERIOLE RETINAL PIGMENT EPITHELIUM; RETINITIS PIGMENTOSA WITH OR WITHOUT PARAARTERIOLAR PRESERVATION OF RETINAL PIGMENT EPITHELIUM; RP WITH OR WITHOUT PPRPE. Identifiers: Orphanet 791, MedGen C1838647, MONDO:0010818, OMIM 600105.
Leber congenital amaurosis 8 (LCA8). Identifiers: Orphanet 65, MedGen C3151202, MONDO:0013453, OMIM 613835.

Submissions (2):

Women's Health and Genetics/Laboratory Corporation of America, LabCorp
Classification: Uncertain significance. Last evaluated: 2025-12-04. Review status: criteria provided, single submitter. Criteria: LabCorp Variant Classification Summary - May 2015. Collection method: clinical testing. Allele origin: germline.
Comment: Variant summary: CRB1 c.2497G>T (p.Gly833Cys) results in a non-conservative amino acid change in the encoded protein sequence. Algorithms developed to predict the effect of missense changes on protein structure and function all suggest that this variant is likely to be disruptive. The variant was absent in 251132 control chromosomes. The available data on variant occurrences in the general population are insufficient to allow any conclusion about variant significance. To our knowledge, no occurrence of c.2497G>T in individuals affected with CRB1-related conditions and no experimental evidence demonstrating its impact on protein function have been reported. ClinVar contains an entry for this variant (Variation ID: 1470546). Based on the evidence outlined above, the variant was classified as uncertain significance.

Labcorp Genetics (formerly Invitae), Labcorp
Classification: Likely pathogenic for Leber congenital amaurosis 8; Retinitis pigmentosa 12. Last evaluated: 2021-11-05. Review status: criteria provided, single submitter. Criteria: Invitae Variant Classification Sherloc (09022015). Collection method: clinical testing. Allele origin: germline.
Comment: Advanced modeling of protein sequence and biophysical properties (such as structural, functional, and spatial information, amino acid conservation, physicochemical variation, residue mobility, and thermodynamic stability) performed at Invitae indicates that this missense variant is expected to disrupt CRB1 protein function. This variant disrupts the p.Gly833 amino acid residue in CRB1. Other variant(s) that disrupt this residue have been determined to be pathogenic (PMID: 23077403, 23449718, 25356976). This suggests that this residue is clinically significant, and that variants that disrupt this residue are likely to be disease-causing. In summary, the currently available evidence indicates that the variant is pathogenic, but additional data are needed to prove that conclusively. Therefore, this variant has been classified as Likely Pathogenic. This variant has not been reported in the literature in individuals affected with CRB1-related conditions. This sequence change replaces glycine, which is neutral and non-polar, with cysteine, which is neutral and slightly polar, at codon 833 of the CRB1 protein (p.Gly833Cys). This variant is not present in population databases (gnomAD no frequency).

Literature cited by the submitters: PubMed 23077403 (cited by Labcorp Genetics (formerly Invitae), Labcorp); PubMed 23449718 (cited by Labcorp Genetics (formerly Invitae), Labcorp); PubMed 25356976 (cited by Labcorp Genetics (formerly Invitae), Labcorp).

NM_201253.3(CRB1):c.2497G>T (p.Gly833Cys)

Gene: CRB1 (crumbs cell polarity complex component 1; plus strand). Cytogenetic location: 1q31.3.
Variant type: single nucleotide variant.
Coding change: c.2497G>T on transcript NM_201253.3 (MANE Select); coding-DNA position 2497, G replaced by T.
Protein change: p.Gly833Cys; replaces glycine 833 with cysteine.
Molecular consequence: missense variant. On other transcripts: non-coding transcript variant (2), intron variant (1).
Genome position (GRCh38, 1-based): chr1:197,427,822, G>T. VCF-style: chr1-197427822-G-T. GRCh37 (hg19) VCF-style: chr1-197396952-G-T.
Other names: c.2290G>T, p.Gly764Cys (NM_001257965.2); c.2161G>T, p.Gly721Cys (NM_001193640.2); c.2128+5866G>T (NM_001257966.2); short protein forms G833C, G764C, G721C.
Identifiers: ClinVar variation 1470546 (VCV001470546.7), dbSNP rs1664671663, ClinGen allele CA344037794.